The following is an entry in ClinVar:

NM_000070.3(CAPN3):c.802-3C>T

Gene: CAPN3 (calpain 3; plus strand). Cytogenetic location: 15q15.1.
Variant type: single nucleotide variant.
Coding change: c.802-3C>T on transcript NM_000070.3 (MANE Select); 3 bases into the intron before coding-DNA position 802, C replaced by T.
Molecular consequence: intron variant.
Genome position (GRCh38, 1-based): chr15:42,389,950, C>T. VCF-style: chr15-42389950-C-T. GRCh37 (hg19) VCF-style: chr15-42682148-C-T.
Other names: c.802-3C>T (NM_024344.2); c.801+854C>T (NM_173087.2).
Identifiers: ClinVar variation 956430 (VCV000956430.8), dbSNP rs1376586945, ClinGen allele CA617604968.

ClinVar aggregate classification (germline): Uncertain significance. Review status: criteria provided, single submitter (1 of 4 stars). 2 submissions from 2 submitters: Uncertain significance (1). 1 of the submissions does not count toward it. Last evaluated 2025-12-19.

Conditions:
Autosomal recessive limb-girdle muscular dystrophy type 2A (LGMDR1). Also called: LEYDEN-MOEBIUS MUSCULAR DYSTROPHY; MUSCULAR DYSTROPHY, PELVOFEMORAL; Limb-girdle muscular dystrophy, type 2A; Calpainopathy; Muscular dystrophy, limb-girdle, type 2A, Amish. Identifiers: Orphanet 267, MedGen C1869123, MONDO:0009675, OMIM 253600. Disease mechanism: loss of function.

Allele frequency attached by ClinVar (database versions not stated): gnomAD exomes below 0.00001; TOPMed 0.00001.
gnomAD v4.1: 6 of 1,614,090 alleles (0.00037%); highest among the groups gnomAD compares: East Asian, 0.0022%; no homozygotes.

Submissions (2):

Labcorp Genetics (formerly Invitae), Labcorp
Classification: Uncertain significance for Autosomal recessive limb-girdle muscular dystrophy type 2A. Last evaluated: 2025-12-19. Review status: criteria provided, single submitter. Criteria: Invitae Variant Classification Sherloc (09022015). Collection method: clinical testing. Allele origin: germline.
Comment: This sequence change falls in intron 5 of the CAPN3 gene. It does not directly change the encoded amino acid sequence of the CAPN3 protein. It affects a nucleotide within the consensus splice site. This variant is present in population databases (no rsID available, gnomAD 0.003%). This variant has not been reported in the literature in individuals affected with CAPN3-related conditions. ClinVar contains an entry for this variant (Variation ID: 956430). Variants that disrupt the consensus splice site are a relatively common cause of aberrant splicing (PMID: 17576681, 9536098). Algorithms developed to predict the effect of sequence changes on RNA splicing suggest that this variant is not likely to affect RNA splicing. In summary, the available evidence is currently insufficient to determine the role of this variant in disease. Therefore, it has been classified as a Variant of Uncertain Significance.

Natera, Inc.
Classification: Uncertain significance for Limb-girdle muscular dystrophy type 2A. Last evaluated: 2020-05-28. Review status: no assertion criteria provided. Collection method: clinical testing. Allele origin: germline. Not counted in ClinVar's aggregate classification.

Literature cited by the submitters: PubMed 17576681 (cited by Labcorp Genetics (formerly Invitae), Labcorp); PubMed 9536098 (cited by Labcorp Genetics (formerly Invitae), Labcorp).